The following is an entry in ClinVar:

NM_004260.4(RECQL4):c.2536G>A (p.Val846Ile)

Gene: RECQL4 (RecQ like helicase 4; minus strand). Cytogenetic location: 8q24.3.
Variant type: single nucleotide variant.
Coding change: c.2536G>A on transcript NM_004260.4 (MANE Select); coding-DNA position 2536, G replaced by A.
Protein change: p.Val846Ile; replaces valine 846 with isoleucine.
Molecular consequence: missense variant. On other transcripts: non-coding transcript variant (3).
Genome position (GRCh38, 1-based): chr8:144,513,066, C>T on the plus strand (G>A on the coding strand, the complement: RECQL4 is on the minus strand). VCF-style: chr8-144513066-C-T. GRCh37 (hg19) VCF-style: chr8-145738449-C-T.
Other names: c.2242G>A, p.Val748Ile (NM_001413017.1); c.2338G>A, p.Val780Ile (NM_001413018.1); c.2536G>A, p.Val846Ile (NM_001413019.1, NM_001413036.1); c.2440G>A, p.Val814Ile (NM_001413020.1); c.1465G>A, p.Val489Ile (NM_001413021.1, NM_001413022.1, NM_001413023.1 and 5 more transcripts); c.2407G>A, p.Val803Ile (NM_001413025.1); c.1399G>A, p.Val467Ile (NM_001413027.1, NM_001413030.1, NM_001413032.1 and 1 more transcripts); c.2185G>A, p.Val729Ile (NM_001413029.1); and 6 more; short protein forms V423I, V479I, V489I, V780I, V802I, V814I, V836I, V357I.
Identifiers: ClinVar variation 2867293 (VCV002867293.3), dbSNP rs1827557017, ClinGen allele CA372677111.

ClinVar aggregate classification (germline): Uncertain significance (1 of 4 stars; one submission).

Conditions:
Baller-Gerold syndrome (BGS). Also called: CRANIOSYNOSTOSIS WITH RADIAL DEFECTS. Identifiers: Orphanet 1225, MedGen C0265308, MONDO:0009039, OMIM 218600.

gnomAD v4.1: 6 of 1,577,780 alleles (0.00038%); highest among the groups gnomAD compares: Non-Finnish European, 0.00052%; no homozygotes.

Submission:

Labcorp Genetics (formerly Invitae), Labcorp
Classification: Uncertain significance for Baller-Gerold syndrome. Last evaluated: 2023-07-06. Review status: criteria provided, single submitter. Criteria: Invitae Variant Classification Sherloc (09022015). Collection method: clinical testing. Allele origin: germline.
Comment: This variant has not been reported in the literature in individuals affected with RECQL4-related conditions. In summary, the available evidence is currently insufficient to determine the role of this variant in disease. Therefore, it has been classified as a Variant of Uncertain Significance. Algorithms developed to predict the effect of sequence changes on RNA splicing suggest that this variant may disrupt the consensus splice site. Advanced modeling of protein sequence and biophysical properties (such as structural, functional, and spatial information, amino acid conservation, physicochemical variation, residue mobility, and thermodynamic stability) performed at Invitae indicates that this missense variant is not expected to disrupt RECQL4 protein function. This variant is not present in population databases (gnomAD no frequency). This sequence change replaces valine, which is neutral and non-polar, with isoleucine, which is neutral and non-polar, at codon 846 of the RECQL4 protein (p.Val846Ile).